The following is an entry in ClinVar:

NM_004535.3(MYT1):c.477C>T (p.Ser159=)

Gene: MYT1 (myelin transcription factor 1; plus strand). Cytogenetic location: 20q13.33.
Variant type: single nucleotide variant.
Coding change: c.477C>T on transcript NM_004535.3 (MANE Select); coding-DNA position 477, C replaced by T.
Protein change: p.Ser159=; no amino-acid change (serine 159 retained).
Molecular consequence: synonymous variant.
Genome position (GRCh38, 1-based): chr20:64,207,673, C>T. VCF-style: chr20-64207673-C-T. GRCh37 (hg19) VCF-style: chr20-62839026-C-T.
Identifiers: ClinVar variation 734916 (VCV000734916.7), dbSNP rs147056041, ClinGen allele CA9974607.

ClinVar aggregate classification (germline): Benign. Review status: criteria provided, multiple submitters, no conflicts (2 of 4 stars). 3 submissions from 3 submitters: Benign (2). 1 of the submissions does not count toward it. Last evaluated 2019-12-31.

Conditions:
MYT1-related disorder. Also called: MYT1-related condition.

Allele frequency attached by ClinVar (database versions not stated): gnomAD exomes 0.00066 and 0.00169; ExAC 0.00226; gnomAD 0.00652 and 0.00710; 1000 Genomes Project 0.00739; ESP Exome Variant Server 0.00753; TOPMed 0.00771; 1000 Genomes Project 30x 0.00796.
gnomAD v4.1: 1,994 of 1,614,114 alleles (0.12%); highest among the groups gnomAD compares: African/African-American, 2.4%; 30 homozygotes.

Submissions (3):

Labcorp Genetics (formerly Invitae), Labcorp
Classification: Benign. Last evaluated: 2019-12-31. Review status: criteria provided, single submitter. Criteria: Invitae Variant Classification Sherloc (09022015). Collection method: clinical testing. Allele origin: germline.

Breakthrough Genomics
Classification: Benign. Review status: criteria provided, single submitter. Criteria: ACMG Guidelines, 2015. Collection method: not provided. Allele origin: germline. Inheritance: Unknown mechanism. Affected: yes.

PreventionGenetics, part of Exact Sciences
Classification: Benign for MYT1-related condition. Last evaluated: 2019-06-11. Review status: no assertion criteria provided. Collection method: clinical testing. Allele origin: germline. Not counted in ClinVar's aggregate classification.
Comment: This variant is classified as benign based on ACMG/AMP sequence variant interpretation guidelines (Richards et al. 2015 PMID: 25741868, with internal and published modifications).